The following is an entry in ClinVar:

ClinVar aggregate classification (germline): Benign/Likely benign. Review status: criteria provided, multiple submitters, no conflicts (2 of 4 stars). 3 submissions from 3 submitters: Benign (1); Likely benign (2). Last evaluated 2024-12-26.

Conditions:
Hereditary cancer-predisposing syndrome. Also called: Hereditary neoplastic syndrome; Neoplastic Syndromes, Hereditary; Tumor predisposition; Hereditary Cancer Syndrome. Identifiers: Orphanet 140162, MedGen C0027672, MeSH D009386, MONDO:0015356.
Lynch syndrome 5 (LYNCH5). Also called: Hereditary non-polyposis colorectal cancer, type 5; Colorectal cancer, hereditary nonpolyposis, type 5. Identifiers: Orphanet 144, MedGen C1833477, MONDO:0013710, OMIM 614350. Disease mechanism: loss of function.
Hereditary nonpolyposis colorectal neoplasms. Identifiers: MedGen C0009405, MeSH D003123.

Submissions (3):

Myriad Genetics, Inc.
Classification: Benign for Lynch syndrome 5. Last evaluated: 2024-12-26. Review status: criteria provided, single submitter. Criteria: Myriad Autosomal Dominant, Autosomal Recessive and X-Linked Classification Criteria (2023). Collection method: clinical testing. Allele origin: unknown.
Comment: This variant is considered benign. This variant is a silent/synonymous amino acid change and it is not expected to impact splicing.

Ambry Genetics
Classification: Likely benign for Hereditary cancer-predisposing syndrome. Last evaluated: 2023-10-31. Review status: criteria provided, single submitter. Criteria: Ambry Variant Classification Scheme 2023. Collection method: clinical testing. Allele origin: germline.

Labcorp Genetics (formerly Invitae), Labcorp
Classification: Likely benign for Hereditary nonpolyposis colorectal neoplasms. Last evaluated: 2022-07-29. Review status: criteria provided, single submitter. Criteria: Invitae Variant Classification Sherloc (09022015). Collection method: clinical testing. Allele origin: germline.

NM_000179.3(MSH6):c.1374T>C (p.His458=)

Gene: MSH6 (mutS homolog 6; plus strand). Cytogenetic location: 2p16.3.
Variant type: single nucleotide variant.
Coding change: c.1374T>C on transcript NM_000179.3 (MANE Select); coding-DNA position 1374, T replaced by C.
Protein change: p.His458=; no amino-acid change (histidine 458 retained).
Molecular consequence: synonymous variant.
Genome position (GRCh38, 1-based): chr2:47,799,357, T>C. VCF-style: chr2-47799357-T-C. GRCh37 (hg19) VCF-style: chr2-48026496-T-C.
Other names: c.984T>C, p.His328= (NM_001281492.2); c.468T>C, p.His156= (NM_001281493.2, NM_001281494.2); c.1374T>C (NM_000179.2).
Identifiers: ClinVar variation 1146666 (VCV001146666.11), dbSNP rs2104339805, ClinGen allele CA426121111.